The following is an entry in ClinVar:

NM_000492.4(CFTR):c.274-2470T>C

Gene: CFTR (CF transmembrane conductance regulator; plus strand). Cytogenetic location: 7q31.2.
Variant type: single nucleotide variant.
Coding change: c.274-2470T>C on transcript NM_000492.4 (MANE Select); 2470 bases into the intron before coding-DNA position 274, T replaced by C.
Molecular consequence: intron variant.
Genome position (GRCh38, 1-based): chr7:117,528,429, T>C. VCF-style: chr7-117528429-T-C. GRCh37 (hg19) VCF-style: chr7-117168483-T-C.
Identifiers: ClinVar variation 4538383 (VCV004538383.1).
Genomic context (GRCh38, chr7:117,528,429, plus strand): 5'-ATGGATTAAAGATTTAAACGTTAGACCTAAAACCATAAAAACCCTAGAAGAAAACCTAGG[T>C]ATTACCATTCAGGACATAGGCGTGGGCAAGGACTTCATGTCCAAAACACCAAAAGCAATG-3'

ClinVar aggregate classification (germline): Uncertain significance (1 of 4 stars; one submission).

Submission:

Greenwood Genetic Center Diagnostic Laboratories, Greenwood Genetic Center
Classification: Uncertain significance. Last evaluated: 2025-04-22. Review status: criteria provided, single submitter. Criteria: ACMG Guidelines, 2015. Collection method: clinical testing. Allele origin: germline. Affected: yes.
Comment: PM2